The following is an entry in ClinVar:

ClinVar aggregate classification (germline): Pathogenic/Likely pathogenic. Review status: criteria provided, multiple submitters, no conflicts (2 of 4 stars). 5 submissions from 5 submitters: Pathogenic (3); Likely pathogenic (2). Last evaluated 2025-07-11.

Conditions:
Congenital myasthenic syndrome 4A. Also called: Myasthenic syndrome, congenital, 4a, slow-channel; CONGENITAL MYASTHENIC SYNDROME TYPE Ia1; MYASTHENIC SYNDROME, CONGENITAL, 4A, SLOW-CHANNEL, AUTOSOMAL RECESSIVE. Identifiers: Orphanet 590, MedGen C4225413, MONDO:0011600, OMIM 605809.
Congenital myasthenic syndrome (CMS). Also called: Congenital Myasthenic Syndromes. Identifiers: Orphanet 590, MedGen C0751882, MeSH D020294, MONDO:0018940.

gnomAD v4.1: 4 of 1,603,658 alleles (0.00025%); highest among the groups gnomAD compares: Non-Finnish European, 0.00034%; no homozygotes.

Submissions (5):

Myriad Genetics, Inc.
Classification: Pathogenic for Congenital myasthenic syndrome. Last evaluated: 2025-07-11. Review status: criteria provided, single submitter. Criteria: Myriad Autosomal Dominant, Autosomal Recessive and X-Linked Classification Criteria (2023). Collection method: clinical testing. Allele origin: unknown.
Comment: NM_000080.3(CHRNE):c.966C>A(C322*) is expected to be pathogenic in the context of congenital myasthenic syndrome, CHRNE-related. This variant is predicted to lead to an abnormal or absent protein product due to the creation of a premature termination codon in CHRNE, a gene where loss-of-function variants are known to be pathogenic. Please note: this variant was assessed in the context of healthy population screening.

Labcorp Genetics (formerly Invitae), Labcorp
Classification: Pathogenic for Congenital myasthenic syndrome 4A. Last evaluated: 2025-02-03. Review status: criteria provided, single submitter. Criteria: Invitae Variant Classification Sherloc (09022015). Collection method: clinical testing. Allele origin: germline.
Comment: This sequence change creates a premature translational stop signal (p.Cys322*) in the CHRNE gene. It is expected to result in an absent or disrupted protein product. Loss-of-function variants in CHRNE are known to be pathogenic (PMID: 22678886). The frequency data for this variant in the population databases is considered unreliable, as metrics indicate poor data quality at this position in the gnomAD database. This variant has not been reported in the literature in individuals affected with CHRNE-related conditions. ClinVar contains an entry for this variant (Variation ID: 1355047). For these reasons, this variant has been classified as Pathogenic.

Natera, Inc.
Classification: Likely pathogenic for Congenital myasthenic syndrome. Last evaluated: 2025-01-13. Review status: criteria provided, single submitter. Criteria: Natera Variant Classification Schema (03/2026). Collection method: clinical testing. Allele origin: germline.
Comment: The c.966C>A variant in CHRNE is a nonsense variant predicted to introduce a stop codon at amino acid 322. This variant is expected to result in nonsense mediated decay, truncation, or a dysfunctional protein product. This variant is rare in the general population with a frequency below the threshold expected for the associated phenotype(s). Given the available evidence, this variant is classified as Likely Pathogenic.

Baylor Genetics
Classification: Likely pathogenic for Congenital myasthenic syndrome 4A. Last evaluated: 2023-06-13. Review status: criteria provided, single submitter. Criteria: ACMG Guidelines, 2015. Collection method: clinical testing. Allele origin: unknown.

Kariminejad - Najmabadi Pathology & Genetics Center
Classification: Pathogenic for Congenital myasthenic syndrome 4A. Review status: criteria provided, single submitter. Criteria: ACMG Guidelines, 2015. Collection method: clinical testing. Allele origin: germline. Affected: no.

Literature cited by the submitters: PubMed 22678886 (cited by Labcorp Genetics (formerly Invitae), Labcorp).

NM_000080.4(CHRNE):c.966C>A (p.Cys322Ter)

Gene: CHRNE (cholinergic receptor nicotinic epsilon subunit; minus strand). Cytogenetic location: 17p13.2.
Variant type: single nucleotide variant.
Coding change: c.966C>A on transcript NM_000080.4 (MANE Select); coding-DNA position 966, C replaced by A.
Protein change: p.Cys322Ter; replaces cysteine 322 with a stop codon.
Molecular consequence: nonsense.
Genome position (GRCh38, 1-based): chr17:4,899,534, G>T on the plus strand (C>A on the coding strand, the complement: CHRNE is on the minus strand). VCF-style: chr17-4899534-G-T. GRCh37 (hg19) VCF-style: chr17-4802829-G-T.
Other names: c.966C>A (NM_000080.3); short protein forms C322*.
Identifiers: ClinVar variation 1355047 (VCV001355047.10), dbSNP rs56377005, ClinGen allele CA397300980.
Genomic context (GRCh38, chr17:4,899,534, plus strand): 5'-CAGCCGCGGGGACATGGCGTGGGTGGTGGGCGTCCGCTGGGACACGTTGAGCACGATGAC[G>T]CAATTCATGACAATGAGCGTGGCGACCACCATGACGAAAATAAGGAACCTGAGGAGCCCG-3'